The following is an entry in ClinVar:

NM_020297.4(ABCC9):c.363T>C (p.Tyr121=)

Gene: ABCC9 (ATP binding cassette subfamily C member 9; minus strand). Cytogenetic location: 12p12.1.
Variant type: single nucleotide variant.
Coding change: c.363T>C on transcript NM_020297.4 (MANE Select); coding-DNA position 363, T replaced by C.
Protein change: p.Tyr121=; no amino-acid change (tyrosine 121 retained).
Molecular consequence: synonymous variant. On other transcripts: 5 prime UTR variant (1).
Genome position (GRCh38, 1-based): chr12:21,925,985, A>G on the plus strand (T>C on the coding strand, the complement: ABCC9 is on the minus strand). VCF-style: chr12-21925985-A-G. GRCh37 (hg19) VCF-style: chr12-22078919-A-G.
Other names: c.363T>C, p.Tyr121= (NM_001377273.1, NM_005691.4); c.-92T>C (NM_001377274.1).
Identifiers: ClinVar variation 682312 (VCV000682312.12), dbSNP rs935662328, ClinGen allele CA233620115.

ClinVar aggregate classification (germline): Likely benign. Review status: criteria provided, multiple submitters, no conflicts (2 of 4 stars). 3 submissions from 3 submitters: Likely benign (3). Last evaluated 2025-12-08.

Conditions:
Cardiovascular phenotype. Identifiers: MedGen CN230736.
Dilated cardiomyopathy 1O (CMD1O). Also called: CARDIOMYOPATHY, DILATED, WITH VENTRICULAR TACHYCARDIA. Identifiers: Orphanet 154, MedGen C1837839, MONDO:0012062, OMIM 608569.

Allele frequency attached by ClinVar (database versions not stated): gnomAD exomes below 0.00001; TOPMed below 0.00001.
gnomAD v4.1: 2 of 1,613,402 alleles (0.00012%); highest among the groups gnomAD compares: Non-Finnish European, 0.00017%; no homozygotes.

Submissions (3):

Labcorp Genetics (formerly Invitae), Labcorp
Classification: Likely benign for Dilated cardiomyopathy 1O. Last evaluated: 2025-12-08. Review status: criteria provided, single submitter. Criteria: Invitae Variant Classification Sherloc (09022015). Collection method: clinical testing. Allele origin: germline.

Ambry Genetics
Classification: Likely benign for Cardiovascular phenotype. Last evaluated: 2020-07-07. Review status: criteria provided, single submitter. Criteria: Ambry Variant Classification Scheme 2023. Collection method: clinical testing. Allele origin: germline.

GeneDx
Classification: Likely benign. Last evaluated: 2018-04-27. Review status: criteria provided, single submitter. Criteria: GeneDx Variant Classification (06012015). Collection method: clinical testing. Allele origin: germline. Affected: yes.
Comment: This variant is considered likely benign or benign based on one or more of the following criteria: it is a conservative change, it occurs at a poorly conserved position in the protein, it is predicted to be benign by multiple in silico algorithms, and/or has population frequency not consistent with disease.